The following is an entry in ClinVar:

ClinVar aggregate classification (germline): Uncertain significance. Review status: criteria provided, multiple submitters, no conflicts (2 of 4 stars). 2 submissions from 2 submitters: Uncertain significance (2). Last evaluated 2025-05-21.

Conditions:
Inborn genetic diseases. Identifiers: MedGen C0950123, MeSH D030342.

Allele frequency attached by ClinVar (database versions not stated): gnomAD 0.00001; TOPMed 0.00002; gnomAD exomes 0.00005; ExAC 0.00005.

Submissions (2):

Ambry Genetics
Classification: Uncertain significance for Inborn genetic diseases. Last evaluated: 2025-05-21. Review status: criteria provided, single submitter. Criteria: Ambry Variant Classification Scheme 2023. Collection method: clinical testing. Allele origin: germline.

GeneDx
Classification: Uncertain significance. Last evaluated: 2021-05-06. Review status: criteria provided, single submitter. Criteria: GeneDx Variant Classification Process June 2021. Collection method: clinical testing. Allele origin: germline. Affected: yes.
Comment: In silico analysis supports that this missense variant has a deleterious effect on protein structure/function; Has not been previously published as pathogenic or benign to our knowledge

NM_001395413.1(POR):c.1861G>A (p.Glu621Lys)

Gene: POR (cytochrome p450 oxidoreductase; plus strand). Cytogenetic location: 7q11.23.
Variant type: single nucleotide variant.
Coding change: c.1861G>A on transcript NM_001395413.1 (MANE Select); coding-DNA position 1861, G replaced by A.
Protein change: p.Glu621Lys; replaces glutamic acid 621 with lysine.
Molecular consequence: missense variant.
Genome position (GRCh38, 1-based): chr7:75,986,213, G>A. VCF-style: chr7-75986213-G-A. GRCh37 (hg19) VCF-style: chr7-75615531-G-A.
Other names: c.1870G>A (NM_000941.2); c.1861G>A, p.Glu621Lys (NM_001367562.3, NM_001382657.2, NM_001382658.3 and 1 more transcripts); c.1915G>A, p.Glu639Lys (NM_001382655.3); c.1711G>A, p.Glu571Lys (NM_001382662.3); short protein forms E571K, E621K, E639K.
Identifiers: ClinVar variation 1320621 (VCV001320621.4), dbSNP rs375902850, ClinGen allele CA4304323.